The following is an entry in ClinVar:

ClinVar aggregate classification (germline): Likely benign (1 of 4 stars; one submission).

Submission:

CeGaT Center for Human Genetics Tuebingen
Classification: Likely benign. Last evaluated: 2026-09-01. Review status: criteria provided, single submitter. Criteria: CeGaT Center For Human Genetics Tuebingen Variant Classification Criteria Version 2. Collection method: clinical testing. Allele origin: germline. Affected: yes. Observed: 1 variant allele.
Comment: FLII: BP4, BP7

NM_002018.4(FLII):c.3558C>T (p.Cys1186=)

Gene: FLII (FLII actin remodeling protein; minus strand). Cytogenetic location: 17p11.2.
Variant type: single nucleotide variant.
Coding change: c.3558C>T on transcript NM_002018.4 (MANE Select); coding-DNA position 3558, C replaced by T.
Protein change: p.Cys1186=; no amino-acid change (cysteine 1186 retained).
Molecular consequence: synonymous variant.
Genome position (GRCh38, 1-based): chr17:18,245,606, G>A on the plus strand (C>T on the coding strand, the complement: FLII is on the minus strand). VCF-style: chr17-18245606-G-A. GRCh37 (hg19) VCF-style: chr17-18148920-G-A.
Other names: c.3525C>T, p.Cys1175= (NM_001256264.2); c.3393C>T, p.Cys1131= (NM_001256265.2).
Identifiers: ClinVar variation 5040866 (VCV005040866.1).